The following is an entry in ClinVar:

ClinVar aggregate classification (germline): Uncertain significance. Review status: criteria provided, multiple submitters, no conflicts (2 of 4 stars). 2 submissions from 2 submitters: Uncertain significance (2). Last evaluated 2024-05-09.

Conditions:
Lynch syndrome. Identifiers: Orphanet 144, MedGen C4552100, MONDO:0005835. Disease mechanism: loss of function.
Hereditary nonpolyposis colorectal neoplasms. Identifiers: MedGen C0009405, MeSH D003123.

Submissions (2):

All of Us Research Program, National Institutes of Health
Classification: Uncertain significance for Lynch syndrome. Last evaluated: 2024-05-09. Review status: criteria provided, single submitter. Criteria: ACMG Guidelines, 2015. Collection method: clinical testing. Allele origin: germline. Inheritance: Autosomal dominant inheritance. Observed: 1 variant allele, 1 heterozygote.
Comment: This study involves interpretation of variants in research participants for the purpose of population health screening. Participant phenotype was not available at the time of variant classification. Additional details can be found in publication PMID: 35346344, PMCID: PMC8962531

Labcorp Genetics (formerly Invitae), Labcorp
Classification: Uncertain significance for Hereditary nonpolyposis colorectal neoplasms. Last evaluated: 2019-03-07. Review status: criteria provided, single submitter. Criteria: Invitae Variant Classification Sherloc (09022015). Collection method: clinical testing. Allele origin: germline.
Comment: In summary, the available evidence is currently insufficient to determine the role of this variant in disease. Therefore, it has been classified as a Variant of Uncertain Significance. Algorithms developed to predict the effect of missense changes on protein structure and function output the following: SIFT: "Tolerated"; PolyPhen-2: "Benign"; Align-GVGD: "Class C0". The serine amino acid residue is found in multiple mammalian species, suggesting that this missense change does not adversely affect protein function. These predictions have not been confirmed by published functional studies and their clinical significance is uncertain. This variant has not been reported in the literature in individuals with MSH6-related conditions. This variant is not present in population databases (ExAC no frequency). This sequence change replaces threonine with serine at codon 727 of the MSH6 protein (p.Thr727Ser). The threonine residue is weakly conserved and there is a small physicochemical difference between threonine and serine.

NM_000179.3(MSH6):c.2179A>T (p.Thr727Ser)

Gene: MSH6 (mutS homolog 6; plus strand). Cytogenetic location: 2p16.3.
Variant type: single nucleotide variant.
Coding change: c.2179A>T on transcript NM_000179.3 (MANE Select); coding-DNA position 2179, A replaced by T.
Protein change: p.Thr727Ser; replaces threonine 727 with serine.
Molecular consequence: missense variant.
Genome position (GRCh38, 1-based): chr2:47,800,162, A>T. VCF-style: chr2-47800162-A-T. GRCh37 (hg19) VCF-style: chr2-48027301-A-T.
Other names: c.1789A>T, p.Thr597Ser (NM_001281492.2); c.1273A>T, p.Thr425Ser (NM_001281493.2, NM_001281494.2); short protein forms T597S, T727S, T425S.
Identifiers: ClinVar variation 839817 (VCV000839817.11), dbSNP rs761930694, ClinGen allele CA346751208.